The following is an entry in ClinVar:

ClinVar aggregate classification (germline): Uncertain significance (1 of 4 stars; one submission).

Allele frequency attached by ClinVar (database versions not stated): gnomAD exomes below 0.00001.
gnomAD v4.1: 1 of 1,613,042 alleles (0.000062%); highest among the groups gnomAD compares: Non-Finnish European, 0.000085%; no homozygotes.

Submission:

GeneDx
Classification: Uncertain significance. Last evaluated: 2022-05-19. Review status: criteria provided, single submitter. Criteria: GeneDx Variant Classification Process June 2021. Collection method: clinical testing. Allele origin: germline. Affected: yes.
Comment: Not observed at significant frequency in large population cohorts (gnomAD); In silico analysis supports that this missense variant does not alter protein structure/function; Has not been previously published as pathogenic or benign to our knowledge

NM_001374353.1(GLI2):c.3370A>G (p.Asn1124Asp)

Gene: GLI2 (GLI family zinc finger 2; plus strand). Cytogenetic location: 2q14.2.
Variant type: single nucleotide variant.
Coding change: c.3370A>G on transcript NM_001374353.1 (MANE Select); coding-DNA position 3370, A replaced by G.
Protein change: p.Asn1124Asp; replaces asparagine 1124 with aspartic acid.
Molecular consequence: missense variant.
Genome position (GRCh38, 1-based): chr2:120,989,335, A>G. VCF-style: chr2-120989335-A-G. GRCh37 (hg19) VCF-style: chr2-121746911-A-G.
Other names: c.3421A>G, p.Asn1141Asp (NM_001371271.1, NM_005270.5); c.2995A>G, p.Asn999Asp (NM_001374354.1); short protein forms N1124D, N1141D, N999D.
Identifiers: ClinVar variation 1800587 (VCV001800587.1), dbSNP rs897239330, ClinGen allele CA54384351.